The following is an entry in ClinVar:

NM_000179.3(MSH6):c.3026A>C (p.Lys1009Thr)

Gene: MSH6 (mutS homolog 6; plus strand). Cytogenetic location: 2p16.3.
Variant type: single nucleotide variant.
Coding change: c.3026A>C on transcript NM_000179.3 (MANE Select); coding-DNA position 3026, A replaced by C.
Protein change: p.Lys1009Thr; replaces lysine 1009 with threonine.
Molecular consequence: missense variant.
Genome position (GRCh38, 1-based): chr2:47,801,009, A>C. VCF-style: chr2-47801009-A-C. GRCh37 (hg19) VCF-style: chr2-48028148-A-C.
Other names: c.2636A>C, p.Lys879Thr (NM_001281492.2); c.2120A>C, p.Lys707Thr (NM_001281493.2, NM_001281494.2); short protein forms K879T, K707T, K1009T.
Identifiers: ClinVar variation 1400507 (VCV001400507.12), dbSNP rs587781593, ClinGen allele CA346756450.
Genomic context (GRCh38, chr2:47,801,009, plus strand): 5'-ATTTGCCAGAAGAATACGAGTTGAAATCTACCAAGAAGGGCTGTAAACGATACTGGACCA[A>C]AACTATTGAAAAGAAGTTGGCTAATCTCATAAATGCTGAAGAACGGAGGGATGTATCATT-3'
Protein context (NP_000170.1, residues 999-1019): TKKGCKRYWT[Lys1009Thr]TIEKKLANLI

ClinVar aggregate classification (germline): Conflicting classifications of pathogenicity. Review status: criteria provided, conflicting classifications (1 of 4 stars). 3 submissions from 3 submitters: Uncertain significance (2); Likely benign (1). Last evaluated 2025-10-22.

Conditions:
Hereditary nonpolyposis colorectal neoplasms. Identifiers: MedGen C0009405, MeSH D003123.
Hereditary cancer-predisposing syndrome. Also called: Hereditary Cancer Syndrome; Hereditary neoplastic syndrome; Tumor predisposition; Neoplastic Syndromes, Hereditary. Identifiers: Orphanet 140162, MedGen C0027672, MeSH D009386, MONDO:0015356.
Endometrial carcinoma. Also called: Endometrial carcinoma, somatic. Identifiers: MedGen C0476089, MONDO:0002447, OMIM 608089, HP:0012114.

gnomAD v4.1: 3 of 1,570,624 alleles (0.00019%); highest among the groups gnomAD compares: Admixed American, 0.0019%; no homozygotes.

Submissions (3):

Ambry Genetics
Classification: Uncertain significance for Hereditary cancer-predisposing syndrome. Last evaluated: 2025-10-22. Review status: criteria provided, single submitter. Criteria: Ambry Variant Classification Scheme 2023. Collection method: clinical testing. Allele origin: germline.
Comment: The p.K1009T variant (also known as c.3026A>C), located in coding exon 4 of the MSH6 gene, results from an A to C substitution at nucleotide position 3026. The lysine at codon 1009 is replaced by threonine, an amino acid with similar properties. This amino acid position is highly conserved in available vertebrate species. In addition, the in silico prediction for this alteration is inconclusive. Since supporting evidence is limited at this time, the clinical significance of this alteration remains unclear.

Labcorp Genetics (formerly Invitae), Labcorp
Classification: Likely benign for Hereditary nonpolyposis colorectal neoplasms. Last evaluated: 2024-12-18. Review status: criteria provided, single submitter. Criteria: Invitae Variant Classification Sherloc (09022015). Collection method: clinical testing. Allele origin: germline.

Baylor Genetics
Classification: Uncertain significance for Endometrial carcinoma. Last evaluated: 2023-05-31. Review status: criteria provided, single submitter. Criteria: ACMG Guidelines, 2015. Collection method: clinical testing. Allele origin: unknown.